The following is an entry in ClinVar:

ClinVar aggregate classification (germline): Uncertain significance (1 of 4 stars; one submission).

Submission:

Greenwood Genetic Center Diagnostic Laboratories, Greenwood Genetic Center
Classification: Uncertain significance. Last evaluated: 2022-09-09. Review status: criteria provided, single submitter. Criteria: ACMG Guidelines, 2015. Collection method: clinical testing. Allele origin: germline. Affected: yes.
Comment: PM2, PP2

NM_017934.7(PHIP):c.1405G>T (p.Val469Leu)

Gene: PHIP (PHIP subunit of CUL4-Ring ligase complex; minus strand). Cytogenetic location: 6q14.1.
Variant type: single nucleotide variant.
Coding change: c.1405G>T on transcript NM_017934.7 (MANE Select); coding-DNA position 1405, G replaced by T.
Protein change: p.Val469Leu; replaces valine 469 with leucine.
Molecular consequence: missense variant.
Genome position (GRCh38, 1-based): chr6:79,015,201, C>A on the plus strand (G>T on the coding strand, the complement: PHIP is on the minus strand). VCF-style: chr6-79015201-C-A. GRCh37 (hg19) VCF-style: chr6-79724918-C-A.
Other names: short protein forms V469L.
Identifiers: ClinVar variation 1710396 (VCV001710396.3), dbSNP rs2482132077, ClinGen allele CA364634340.